The following is an entry in ClinVar:

ClinVar aggregate classification (germline): Conflicting classifications of pathogenicity. Review status: criteria provided, conflicting classifications (1 of 4 stars). 2 submissions from 2 submitters: Uncertain significance (1); Likely benign (1). Last evaluated 2025-05-11.

Allele frequency attached by ClinVar (database versions not stated): TOPMed 0.00002; gnomAD 0.00003.

Submissions (2):

Labcorp Genetics (formerly Invitae), Labcorp
Classification: Likely benign. Last evaluated: 2025-05-11. Review status: criteria provided, single submitter. Criteria: Invitae Variant Classification Sherloc (09022015). Collection method: clinical testing. Allele origin: germline.

GeneDx
Classification: Uncertain significance. Last evaluated: 2023-04-16. Review status: criteria provided, single submitter. Criteria: GeneDx Variant Classification Process June 2021. Collection method: clinical testing. Allele origin: germline. Affected: yes.
Comment: In silico analysis supports that this missense variant does not alter protein structure/function; Has not been previously published as pathogenic or benign to our knowledge

NM_015559.3(SETBP1):c.470G>A (p.Ser157Asn)

Gene: SETBP1 (SET binding protein 1; plus strand). Cytogenetic location: 18q12.3.
Variant type: single nucleotide variant.
Coding change: c.470G>A on transcript NM_015559.3 (MANE Select); coding-DNA position 470, G replaced by A.
Protein change: p.Ser157Asn; replaces serine 157 with asparagine.
Molecular consequence: missense variant.
Genome position (GRCh38, 1-based): chr18:44,701,816, G>A. VCF-style: chr18-44701816-G-A. GRCh37 (hg19) VCF-style: chr18-42281781-G-A.
Other names: c.470G>A, p.Ser157Asn (NM_001130110.2, NM_001379141.1, NM_001379142.1 and 1 more transcripts); c.470G>A (NM_015559.2); short protein forms S157N.
Identifiers: ClinVar variation 2043120 (VCV002043120.5), dbSNP rs1050799252, ClinGen allele CA299822689.